The following is an entry in ClinVar:

NM_001033855.3(DCLRE1C):c.1627A>G (p.Ile543Val)

Gene: DCLRE1C (DNA cross-link repair 1C; minus strand). Cytogenetic location: 10p13.
Variant type: single nucleotide variant.
Coding change: c.1627A>G on transcript NM_001033855.3 (MANE Select); coding-DNA position 1627, A replaced by G.
Protein change: p.Ile543Val; replaces isoleucine 543 with valine.
Molecular consequence: missense variant. On other transcripts: non-coding transcript variant (4).
Genome position (GRCh38, 1-based): chr10:14,908,860, T>C on the plus strand (A>G on the coding strand, the complement: DCLRE1C is on the minus strand). VCF-style: chr10-14908860-T-C. GRCh37 (hg19) VCF-style: chr10-14950859-T-C.
Other names: c.1267A>G, p.Ile423Val (NM_001033857.3, NM_001033858.3, NM_001289077.2 and 2 more transcripts); c.1282A>G, p.Ile428Val (NM_001289076.2, NM_001289078.2, NM_001350966.2 and 1 more transcripts); c.1627A>G, p.Ile543Val (NM_001350965.2); short protein forms I543V, I428V, I423V.
Identifiers: ClinVar variation 968823 (VCV000968823.8), dbSNP rs777250271, ClinGen allele CA5416444.

ClinVar aggregate classification (germline): Uncertain significance. Review status: criteria provided, multiple submitters, no conflicts (2 of 4 stars). 4 submissions from 4 submitters: Uncertain significance (3). 1 of the submissions does not count toward it. Last evaluated 2026-02-06.

Conditions:
Histiocytic medullary reticulosis. Also called: SEVERE COMBINED IMMUNODEFICIENCY WITH HYPEREOSINOPHILIA; Omenn syndrome. Identifiers: Orphanet 39041, MedGen C2700553, MONDO:0011338, OMIM 603554.
Severe combined immunodeficiency due to DCLRE1C deficiency (RS-SCID). Also called: SCID, AUTOSOMAL RECESSIVE, T CELL-NEGATIVE, B CELL-NEGATIVE, NK CELL-POSITIVE, WITH SENSITIVITY TO IONIZING RADIATION. Identifiers: Orphanet 275, MedGen C1865371, MONDO:0011225, OMIM 602450.

Allele frequency attached by ClinVar (database versions not stated): gnomAD exomes 0.00001; ExAC 0.00001; TOPMed 0.00007; gnomAD 0.00006.
gnomAD v4.1: 21 of 1,614,116 alleles (0.0013%); highest among the groups gnomAD compares: African/African-American, 0.0093%; no homozygotes.

Submissions (4):

Women's Health and Genetics/Laboratory Corporation of America, LabCorp
Classification: Uncertain significance. Last evaluated: 2026-02-06. Review status: criteria provided, single submitter. Criteria: LabCorp Variant Classification Summary - May 2015. Collection method: clinical testing. Allele origin: germline.
Comment: Variant summary: DCLRE1C c.1627A>G (p.Ile543Val) results in a conservative amino acid change in the encoded protein sequence. Algorithms developed to predict the effect of missense changes on protein structure and function are either unavailable or do not agree on the potential impact of this missense change. The variant allele was found at a frequency of 1.2e-05 in 251374 control chromosomes. The available data on variant occurrences in the general population are insufficient to allow any conclusion about variant significance. To our knowledge, no occurrence of c.1627A>G in individuals affected with DCLRE1C-related conditions and no experimental evidence demonstrating its impact on protein function have been reported. ClinVar contains an entry for this variant (Variation ID: 968823). Based on the evidence outlined above, the variant was classified as uncertain significance.

Labcorp Genetics (formerly Invitae), Labcorp
Classification: Uncertain significance for Athabaskan severe combined immunodeficiency. Last evaluated: 2022-08-22. Review status: criteria provided, single submitter. Criteria: Invitae Variant Classification Sherloc (09022015). Collection method: clinical testing. Allele origin: germline.
Comment: This sequence change replaces isoleucine, which is neutral and non-polar, with valine, which is neutral and non-polar, at codon 543 of the DCLRE1C protein (p.Ile543Val). This variant is present in population databases (rs777250271, gnomAD 0.007%). This variant has not been reported in the literature in individuals affected with DCLRE1C-related conditions. ClinVar contains an entry for this variant (Variation ID: 968823). Algorithms developed to predict the effect of missense changes on protein structure and function (SIFT, PolyPhen-2, Align-GVGD) all suggest that this variant is likely to be tolerated. Algorithms developed to predict the effect of sequence changes on RNA splicing suggest that this variant may create or strengthen a splice site. In summary, the available evidence is currently insufficient to determine the role of this variant in disease. Therefore, it has been classified as a Variant of Uncertain Significance.

Fulgent Genetics
Classification: Uncertain significance for Severe combined immunodeficiency due to DCLRE1C deficiency; Histiocytic medullary reticulosis. Last evaluated: 2021-07-23. Review status: criteria provided, single submitter. Criteria: ACMG Guidelines, 2015. Collection method: clinical testing. Allele origin: unknown.

Natera, Inc.
Classification: Uncertain significance for Omenn syndrome. Last evaluated: 2020-04-11. Review status: no assertion criteria provided. Collection method: clinical testing. Allele origin: germline. Not counted in ClinVar's aggregate classification.